The following is an entry in ClinVar:

ClinVar aggregate classification (germline): Uncertain significance. Review status: criteria provided, multiple submitters, no conflicts (2 of 4 stars). 2 submissions from 2 submitters: Uncertain significance (2). Last evaluated 2024-06-25.

Allele frequency attached by ClinVar (database versions not stated): ExAC 0.00002; gnomAD 0.00002 and 0.00003.
gnomAD v4.1: 9 of 1,613,092 alleles (0.00056%); highest among the groups gnomAD compares: African/African-American, 0.0067%; no homozygotes.

Submissions (2):

GeneDx
Classification: Uncertain significance. Last evaluated: 2024-06-25. Review status: criteria provided, single submitter. Criteria: GeneDx Variant Classification Process June 2021. Collection method: clinical testing. Allele origin: germline.
Comment: Not observed at significant frequency in large population cohorts (gnomAD); In silico analysis indicates that this missense variant does not alter protein structure/function; Has not been previously published as pathogenic or benign to our knowledge

Laboratorio de Genetica e Diagnostico Molecular, Hospital Israelita Albert Einstein
Classification: Uncertain significance. Last evaluated: 2019-10-09. Review status: criteria provided, single submitter. Criteria: ACMG Guidelines, 2015. Collection method: clinical testing. Allele origin: germline. Affected: yes.
Comment: ACMG classification criteria: PM2, BP4

NM_013296.5(GPSM2):c.2042C>T (p.Ser681Leu)

Genes: CLCC1 (chloride channel CLIC like 1; minus strand), GPSM2 (G protein signaling modulator 2; plus strand). Cytogenetic location: 1p13.3.
Variant type: single nucleotide variant.
Coding change: c.2042C>T on transcript NM_013296.5 (MANE Select); coding-DNA position 2042, C replaced by T.
Protein change: p.Ser681Leu; replaces serine 681 with leucine.
Molecular consequence: missense variant. On other transcripts: 3 prime UTR variant (17), non-coding transcript variant (1).
Genome position (GRCh38, 1-based): chr1:108,929,927, C>T. VCF-style: chr1-108929927-C-T. GRCh37 (hg19) VCF-style: chr1-109472549-C-T.
Other names: c.*2620G>A (NM_001048210.3, NM_001278202.2, NM_001278203.1 and 10 more transcripts); c.*2625G>A (NM_001377459.1, NM_001377460.1, NM_001377462.1 and 1 more transcripts); c.2042C>T, p.Ser681Leu (NM_001321038.2, NM_001321039.3); c.2042C>T (NM_013296.4); short protein forms S681L.
Identifiers: ClinVar variation 1690702 (VCV001690702.4), dbSNP rs752300174, ClinGen allele CA983236.